The following is an entry in ClinVar:

ClinVar aggregate classification (germline): Conflicting classifications of pathogenicity. Review status: criteria provided, conflicting classifications (1 of 4 stars). 5 submissions from 5 submitters: Uncertain significance (1); Benign (1); Likely benign (2). 1 of the submissions does not count toward it. Last evaluated 2025-11-03.

Conditions:
DIAPH3-related disorder. Also called: DIAPH3-related condition.

Allele frequency attached by ClinVar (database versions not stated): gnomAD exomes 0.00031 and 0.00073; ExAC 0.00092; ESP Exome Variant Server 0.00248; gnomAD 0.00308 and 0.00328; TOPMed 0.00332; 1000 Genomes Project 0.00479; 1000 Genomes Project 30x 0.00484.
gnomAD v4.1: 952 of 1,613,690 alleles (0.059%); highest among the groups gnomAD compares: African/African-American, 1.1%; 6 homozygotes.

Submissions (5):

Labcorp Genetics (formerly Invitae), Labcorp
Classification: Benign. Last evaluated: 2025-11-03. Review status: criteria provided, single submitter. Criteria: Invitae Variant Classification Sherloc (09022015). Collection method: clinical testing. Allele origin: germline.

Ambry Genetics
Classification: Uncertain significance. Last evaluated: 2025-08-03. Review status: criteria provided, single submitter. Criteria: Ambry Variant Classification Scheme 2023. Collection method: clinical testing. Allele origin: germline.

Blueprint Genetics
Classification: Likely benign. Last evaluated: 2024-11-25. Review status: criteria provided, single submitter. Criteria: ACMG Guidelines, 2015. Collection method: clinical testing. Allele origin: germline.

GeneDx
Classification: Likely benign. Last evaluated: 2020-11-09. Review status: criteria provided, single submitter. Criteria: GeneDx Variant Classification Process June 2021. Collection method: clinical testing. Allele origin: germline. Affected: yes.

PreventionGenetics, part of Exact Sciences
Classification: Benign for DIAPH3-related condition. Last evaluated: 2024-09-03. Review status: no assertion criteria provided. Collection method: clinical testing. Allele origin: germline. Not counted in ClinVar's aggregate classification.
Comment: This variant is classified as benign based on ACMG/AMP sequence variant interpretation guidelines (Richards et al. 2015 PMID: 25741868, with internal and published modifications).

NM_001042517.2(DIAPH3):c.3131A>G (p.Gln1044Arg)

Gene: DIAPH3 (diaphanous related formin 3; minus strand). Cytogenetic location: 13q21.2.
Variant type: single nucleotide variant.
Coding change: c.3131A>G on transcript NM_001042517.2 (MANE Select); coding-DNA position 3131, A replaced by G.
Protein change: p.Gln1044Arg; replaces glutamine 1044 with arginine.
Molecular consequence: missense variant.
Genome position (GRCh38, 1-based): chr13:59,810,820, T>C on the plus strand (A>G on the coding strand, the complement: DIAPH3 is on the minus strand). VCF-style: chr13-59810820-T-C. GRCh37 (hg19) VCF-style: chr13-60384954-T-C.
Other names: c.3098A>G, p.Gln1033Arg (NM_001258366.2); c.2993A>G, p.Gln998Arg (NM_001258367.2); c.2921A>G, p.Gln974Arg (NM_001258368.2); c.3131A>G, p.Gln1044Arg (NM_001258369.2); c.2342A>G, p.Gln781Arg (NM_030932.4); short protein forms Q1044R, Q998R, Q781R, Q1033R, Q974R.
Identifiers: ClinVar variation 513296 (VCV000513296.16), dbSNP rs79255785, ClinGen allele CA6996157.